The following is an entry in ClinVar:

ClinVar aggregate classification (germline): Uncertain significance (1 of 4 stars; one submission).

Conditions:
Early-infantile DEE. Also called: Ohtahara syndrome; Early infantile epileptic encephalopathy; Early infantile epileptic encephalopathy with suppression bursts. Identifiers: Orphanet 1934, MedGen C0393706, MONDO:0800491.

Submission:

Labcorp Genetics (formerly Invitae), Labcorp
Classification: Uncertain significance for Early-infantile DEE. Last evaluated: 2023-10-08. Review status: criteria provided, single submitter. Criteria: Invitae Variant Classification Sherloc (09022015). Collection method: clinical testing. Allele origin: germline.
Comment: This sequence change replaces arginine, which is basic and polar, with serine, which is neutral and polar, at codon 2135 of the SPTAN1 protein (p.Arg2135Ser). This variant is not present in population databases (gnomAD no frequency). This variant has not been reported in the literature in individuals affected with SPTAN1-related conditions. Advanced modeling of protein sequence and biophysical properties (such as structural, functional, and spatial information, amino acid conservation, physicochemical variation, residue mobility, and thermodynamic stability) has been performed at Invitae for this missense variant, however the output from this modeling did not meet the statistical confidence thresholds required to predict the impact of this variant on SPTAN1 protein function. In summary, the available evidence is currently insufficient to determine the role of this variant in disease. Therefore, it has been classified as a Variant of Uncertain Significance.

NM_001130438.3(SPTAN1):c.6403C>A (p.Arg2135Ser)

Gene: SPTAN1 (spectrin alpha, non-erythrocytic 1; plus strand). Cytogenetic location: 9q34.11.
Variant type: single nucleotide variant.
Coding change: c.6403C>A on transcript NM_001130438.3 (MANE Select); coding-DNA position 6403, C replaced by A.
Protein change: p.Arg2135Ser; replaces arginine 2135 with serine.
Molecular consequence: missense variant.
Genome position (GRCh38, 1-based): chr9:128,626,514, C>A. VCF-style: chr9-128626514-C-A. GRCh37 (hg19) VCF-style: chr9-131388793-C-A.
Other names: c.6439C>A, p.Arg2147Ser (NM_001375312.2, NM_001375318.1); c.6403C>A, p.Arg2135Ser (NM_001375313.1, NM_001363759.2, NM_001375310.1 and 1 more transcripts); c.6343C>A, p.Arg2115Ser (NM_001375314.2, NM_001363765.2); c.6388C>A, p.Arg2130Ser (NM_003127.4); c.6328C>A, p.Arg2110Ser (NM_001195532.2); short protein forms R2115S, R2147S, R2110S, R2130S, R2135S.
Identifiers: ClinVar variation 2877299 (VCV002877299.3), dbSNP rs751337586, ClinGen allele CA375088760.